The following is an entry in ClinVar:

ClinVar aggregate classification (germline): Affects (0 of 4 stars; one submission).

Conditions:
BLOOD GROUP--LUTHERAN INHIBITOR (INLU). Also called: DOMINANT LU (a-b-) PHENOTYPE. Identifiers: MedGen C1292231, OMIM 111150.

Submission:

Australian Red Cross Blood Service
Classification: Affects for BLOOD GROUP--LUTHERAN INHIBITOR. Last evaluated: 2017-07-31. Review status: no assertion criteria provided. Collection method: research. Allele origin: unknown. Inheritance: Autosomal dominant inheritance. Affected: yes. Observed: 1 variant allele, 1 heterozygote.

NM_006563.5(KLF1):c.421C>T (p.Arg141Ter)

Genes: KLF1 (KLF transcription factor 1; minus strand), LOC130063673 (ATAC-STARR-seq lymphoblastoid silent region 10180; plus strand). Cytogenetic location: 19p13.13.
Variant type: single nucleotide variant.
Coding change: c.421C>T on transcript NM_006563.5 (MANE Select); coding-DNA position 421, C replaced by T.
Protein change: p.Arg141Ter; replaces arginine 141 with a stop codon.
Molecular consequence: nonsense.
Genome position (GRCh38, 1-based): chr19:12,885,809, G>A on the plus strand (C>T on the coding strand, the complement: KLF1 is on the minus strand). VCF-style: chr19-12885809-G-A. GRCh37 (hg19) VCF-style: chr19-12996623-G-A.
Other names: short protein forms R141*.
Identifiers: ClinVar variation 518459 (VCV000518459.2), dbSNP rs1426116895, ClinGen allele CA404309375.